The following is an entry in ClinVar:

ClinVar aggregate classification (germline): Likely benign. Review status: criteria provided, multiple submitters, no conflicts (2 of 4 stars). 3 submissions from 3 submitters: Likely benign (3). Last evaluated 2025-12-06.

gnomAD v4.1: 55 of 1,614,112 alleles (0.0034%); highest among the groups gnomAD compares: Admixed American, 0.0083%; no homozygotes.

Submissions (3):

Labcorp Genetics (formerly Invitae), Labcorp
Classification: Likely benign. Last evaluated: 2025-12-06. Review status: criteria provided, single submitter. Criteria: Invitae Variant Classification Sherloc (09022015). Collection method: clinical testing. Allele origin: germline.

CeGaT Center for Human Genetics Tuebingen
Classification: Likely benign. Last evaluated: 2025-12-01. Review status: criteria provided, single submitter. Criteria: CeGaT Center For Human Genetics Tuebingen Variant Classification Criteria Version 2. Collection method: clinical testing. Allele origin: germline. Affected: yes. Observed: 1 variant allele.
Comment: C8B: BP4, BP7

Blueprint Genetics
Classification: Likely benign. Last evaluated: 2024-10-17. Review status: criteria provided, single submitter. Criteria: ACMG Guidelines, 2015. Collection method: clinical testing. Allele origin: germline.

NM_000066.4(C8B):c.915G>A (p.Lys305=)

Gene: C8B (complement C8 beta chain; minus strand). Cytogenetic location: 1p32.2.
Variant type: single nucleotide variant.
Coding change: c.915G>A on transcript NM_000066.4 (MANE Select); coding-DNA position 915, G replaced by A.
Protein change: p.Lys305=; no amino-acid change (lysine 305 retained).
Molecular consequence: synonymous variant.
Genome position (GRCh38, 1-based): chr1:56,946,011, C>T on the plus strand (G>A on the coding strand, the complement: C8B is on the minus strand). VCF-style: chr1-56946011-C-T. GRCh37 (hg19) VCF-style: chr1-57411684-C-T.
Other names: c.759G>A, p.Lys253= (NM_001278543.2); c.729G>A, p.Lys243= (NM_001278544.2).
Identifiers: ClinVar variation 4681532 (VCV004681532.7).